The following is an entry in ClinVar:

NM_152246.3(CPT1B):c.1166+5T>G

Genes: CHKB-CPT1B (CHKB-CPT1B readthrough (NMD candidate); minus strand), CPT1B (carnitine palmitoyltransferase 1B; minus strand). Cytogenetic location: 22q13.33.
Variant type: single nucleotide variant.
Coding change: c.1166+5T>G on transcript NM_152246.3 (MANE Select); 5 bases into the intron after coding-DNA position 1166, T replaced by G.
Molecular consequence: intron variant.
Genome position (GRCh38, 1-based): chr22:50,573,515, A>C on the plus strand (T>G on the coding strand, the complement: CPT1B is on the minus strand). VCF-style: chr22-50573515-A-C. GRCh37 (hg19) VCF-style: chr22-51011944-A-C.
Other names: c.1064+5T>G (NM_001145134.2); c.1166+5T>G (NM_001145135.2, NM_152245.3, NM_004377.4 and 1 more transcripts).
Identifiers: ClinVar variation 4988717 (VCV004988717.1).

ClinVar aggregate classification (germline): Likely benign (1 of 4 stars; one submission).

Conditions:
CPT1B-related disorder. Also called: CPT1B-related condition.

gnomAD v4.1: 1 of 1,604,588 alleles (0.000062%); highest among the groups gnomAD compares: Admixed American, 0.0017%; no homozygotes.

Submission:

PreventionGenetics, part of Exact Sciences
Classification: Likely benign for CPT1B-related condition. Last evaluated: 2026-09-03. Review status: criteria provided, single submitter. Criteria: ACMG Guidelines, 2015. Collection method: clinical testing. Allele origin: germline.
Comment: This variant is classified as likely benign based on ACMG/AMP sequence variant interpretation guidelines (Richards et al. 2015 PMID: 25741868, with internal and published modifications).